The following is an entry in ClinVar:

ClinVar aggregate classification (germline): Uncertain significance (1 of 4 stars; one submission).

Conditions:
Multiple endocrine neoplasia, type 1 (MEN1). Also called: MEN I; WERMER SYNDROME; Endocrine adenomatosis multiple; MEN 1; MEA I. Identifiers: Orphanet 652, MedGen C0025267, MeSH D018761, MONDO:0007540, OMIM 131100.

Submission:

Labcorp Genetics (formerly Invitae), Labcorp
Classification: Uncertain significance for Multiple endocrine neoplasia, type 1. Last evaluated: 2024-04-15. Review status: criteria provided, single submitter. Criteria: Invitae Variant Classification Sherloc (09022015). Collection method: clinical testing. Allele origin: germline.
Comment: This sequence change replaces threonine, which is neutral and polar, with serine, which is neutral and polar, at codon 438 of the MEN1 protein (p.Thr438Ser). This variant is not present in population databases (gnomAD no frequency). This variant has not been reported in the literature in individuals affected with MEN1-related conditions. ClinVar contains an entry for this variant (Variation ID: 1935496). Advanced modeling of protein sequence and biophysical properties (such as structural, functional, and spatial information, amino acid conservation, physicochemical variation, residue mobility, and thermodynamic stability) performed at Invitae indicates that this missense variant is expected to disrupt MEN1 protein function with a positive predictive value of 95%. In summary, the available evidence is currently insufficient to determine the role of this variant in disease. Therefore, it has been classified as a Variant of Uncertain Significance.

NM_001370259.2(MEN1):c.1313C>G (p.Thr438Ser)

Gene: MEN1 (menin 1; minus strand). Cytogenetic location: 11q13.1.
Variant type: single nucleotide variant.
Coding change: c.1313C>G on transcript NM_001370259.2 (MANE Select); coding-DNA position 1313, C replaced by G.
Protein change: p.Thr438Ser; replaces threonine 438 with serine.
Molecular consequence: missense variant.
Genome position (GRCh38, 1-based): chr11:64,805,071, G>C on the plus strand (C>G on the coding strand, the complement: MEN1 is on the minus strand). VCF-style: chr11-64805071-G-C. GRCh37 (hg19) VCF-style: chr11-64572543-G-C.
Other names: c.1328C>G, p.Thr443Ser (NM_130803.3, NM_130804.3, NM_130800.3 and 4 more transcripts); c.1439C>G, p.Thr480Ser (NM_001370251.2, NM_001407142.1, NM_001407143.1 and 1 more transcripts); c.1313C>G, p.Thr438Ser (NM_001370260.2, NM_001370261.2, NM_001407146.1 and 2 more transcripts); c.1208C>G, p.Thr403Ser (NM_001370262.2, NM_001370263.2, NM_001407148.1 and 1 more transcripts); c.1454C>G, p.Thr485Ser (NM_001407150.1); c.1334C>G, p.Thr445Ser (NM_001407151.1); short protein forms T403S, T445S, T443S, T480S, T438S, T485S.
Identifiers: ClinVar variation 1935496 (VCV001935496.5), dbSNP rs2497142002, ClinGen allele CA381180206.
Genomic context (GRCh38, chr11:64,805,071, plus strand): 5'-ACCTCTGTGCAGCTGTCCCTCACCTGTCCCTCAAAACGGCCTAGGGACTGCACAAGAAAG[G>C]TGGCCCAGCCCACATGCAGCACAGGCGTGGGACTGCCCTCCTCCCATTTGCAGATGCCGT-3'
Protein context (NP_001357188.2, residues 428-448): PTPVLHVGWA[Thr438Ser]FLVQSLGRFE